The following is an entry in ClinVar:

ClinVar aggregate classification (germline): Uncertain significance (1 of 4 stars; one submission).

Conditions:
Inborn genetic diseases. Identifiers: MedGen C0950123, MeSH D030342.

Submission:

Ambry Genetics
Classification: Uncertain significance for Inborn genetic diseases. Last evaluated: 2023-08-13. Review status: criteria provided, single submitter. Criteria: Ambry Variant Classification Scheme 2023. Collection method: clinical testing. Allele origin: germline.
Comment: The p.K902N variant (also known as c.2706G>T), located in coding exon 21 of the BUB1B gene, results from a G to T substitution at nucleotide position 2706. The lysine at codon 902 is replaced by asparagine, an amino acid with similar properties. This amino acid position is conserved. In addition, this alteration is predicted to be tolerated by in silico analysis. Since supporting evidence is limited at this time, the clinical significance of this alteration remains unclear.

NM_001211.6(BUB1B):c.2706G>T (p.Lys902Asn)

Genes: BUB1B (BUB1 mitotic checkpoint serine/threonine kinase B; plus strand), BUB1B-PAK6 (BUB1B-PAK6 readthrough; plus strand). Cytogenetic location: 15q15.1.
Variant type: single nucleotide variant.
Coding change: c.2706G>T on transcript NM_001211.6 (MANE Select); coding-DNA position 2706, G replaced by T.
Protein change: p.Lys902Asn; replaces lysine 902 with asparagine.
Molecular consequence: missense variant. On other transcripts: 5 prime UTR variant (2).
Genome position (GRCh38, 1-based): chr15:40,217,523, G>T. VCF-style: chr15-40217523-G-T. GRCh37 (hg19) VCF-style: chr15-40509724-G-T.
Other names: c.-345G>T (NM_001128628.3); c.-262G>T (NM_001128629.3); short protein forms K902N.
Identifiers: ClinVar variation 2585929 (VCV002585929.2), dbSNP rs1595538961, ClinGen allele CA391687498.